The following is an entry in ClinVar:

NM_001368894.2(PAX6):c.65C>T (p.Pro22Leu)

Gene: PAX6 (paired box 6; minus strand). Cytogenetic location: 11p13.
Variant type: single nucleotide variant.
Coding change: c.65C>T on transcript NM_001368894.2 (MANE Select); coding-DNA position 65, C replaced by T.
Protein change: p.Pro22Leu; replaces proline 22 with leucine.
Molecular consequence: missense variant. On other transcripts: 5 prime UTR variant (12), non-coding transcript variant (2), intron variant (2).
Genome position (GRCh38, 1-based): chr11:31,802,780, G>A on the plus strand (C>T on the coding strand, the complement: PAX6 is on the minus strand). VCF-style: chr11-31802780-G-A. GRCh37 (hg19) VCF-style: chr11-31824328-G-A.
Other names: c.65C>T, p.Pro22Leu (NM_000280.6, NM_001127612.3, NM_001258462.3 and 30 more transcripts); c.-717C>T (NM_001310160.2, NM_001368905.2); c.-386C>T (NM_001310161.3, NM_001368900.2, NM_001368903.2 and 2 more transcripts); c.-344C>T (NM_001368899.2, NM_001368901.2, NM_001368906.2 and 1 more transcripts); c.-675C>T (NM_001368902.2); c.308C>T, p.Pro103Leu (NM_001368910.2); c.68C>T, p.Pro23Leu (NM_001368911.2); c.-267-1004C>T (NM_001368909.2, NM_001368904.2); short protein forms P23L, P103L, P22L.
Identifiers: ClinVar variation 856089 (VCV000856089.11), dbSNP rs1954533614, ClinGen allele CA379959619.

ClinVar aggregate classification (germline): Uncertain significance. Review status: criteria provided, multiple submitters, no conflicts (2 of 4 stars). 2 submissions from 2 submitters: Uncertain significance (2). Last evaluated 2025-02-04.

Conditions:
Aniridia 1 (AN1). Identifiers: Orphanet 250923, MedGen C0344542, MONDO:0024507, OMIM 106210.
Irido-corneo-trabecular dysgenesis (ASGD5). Also called: ANTERIOR SEGMENT DYSGENESIS 5. Identifiers: Orphanet 708, MedGen C0344559, MONDO:0011414, OMIM 604229, HP:0000659.

Submissions (2):

Dasa
Classification: Uncertain significance. Last evaluated: 2025-02-04. Review status: criteria provided, single submitter. Criteria: DASA Assertion Criteria. Collection method: clinical testing. Allele origin: germline.
Comment: NM_001368894.2(PAX6):c.65C>T (p.Pro22Leu) is a missense variant that results in the substitution of proline with leucine. The affected residue or protein region has prior evidence supporting clinical relevance. This variant is absent from population databases. Computational prediction algorithms are consistent with a deleterious effect. The currently available literature and clinical evidence are not sufficient to establish a definitive association between this variant and the reported condition. Therefore, this variant is classified as a variant of uncertain significance.

Labcorp Genetics (formerly Invitae), Labcorp
Classification: Uncertain significance for Aniridia 1; Irido-corneo-trabecular dysgenesis. Last evaluated: 2019-09-15. Review status: criteria provided, single submitter. Criteria: Invitae Variant Classification Sherloc (09022015). Collection method: clinical testing. Allele origin: germline.
Comment: In summary, the available evidence is currently insufficient to determine the role of this variant in disease. Therefore, it has been classified as a Variant of Uncertain Significance. Algorithms developed to predict the effect of missense changes on protein structure and function are either unavailable or do not agree on the potential impact of this missense change (SIFT: "Deleterious"; PolyPhen-2: "Probably Damaging"; Align-GVGD: "Class C0"). This variant has been observed in a family affected with coloboma (Invitae). This variant is not present in population databases (ExAC no frequency). This sequence change replaces proline with leucine at codon 22 of the PAX6 protein (p.Pro22Leu). The proline residue is highly conserved and there is a moderate physicochemical difference between proline and leucine.